The following is an entry in ClinVar:

NM_194293.4(XIRP1):c.4554C>T (p.Pro1518=)

Gene: XIRP1 (xin actin binding repeat containing 1; minus strand). Cytogenetic location: 3p22.2.
Variant type: single nucleotide variant.
Coding change: c.4554C>T on transcript NM_194293.4 (MANE Select); coding-DNA position 4554, C replaced by T.
Protein change: p.Pro1518=; no amino-acid change (proline 1518 retained).
Molecular consequence: synonymous variant. On other transcripts: 3 prime UTR variant (1).
Genome position (GRCh38, 1-based): chr3:39,184,892, G>A on the plus strand (C>T on the coding strand, the complement: XIRP1 is on the minus strand). VCF-style: chr3-39184892-G-A. GRCh37 (hg19) VCF-style: chr3-39226383-G-A.
Other names: c.*761C>T (NM_001198621.4); c.603C>T, p.Pro201= (NM_001351377.2); c.4554C>T (NM_194293.2).
Identifiers: ClinVar variation 2653685 (VCV002653685.25), dbSNP rs146387467, ClinGen allele CA2325826.

ClinVar aggregate classification (germline): Likely benign. Review status: criteria provided, single submitter (1 of 4 stars). 2 submissions from 2 submitters: Likely benign (1). 1 of the submissions does not count toward it. Last evaluated 2022-09-01.

Conditions:
XIRP1-related disorder. Also called: XIRP1-related condition.

Allele frequency attached by ClinVar (database versions not stated): gnomAD exomes 0.00040; 1000 Genomes Project 30x 0.00047; ExAC 0.00049; 1000 Genomes Project 0.00060; gnomAD 0.00091; ESP Exome Variant Server 0.00125.
gnomAD v4.1: 739 of 1,595,042 alleles (0.046%); highest among the groups gnomAD compares: Middle Eastern, 0.35%; no homozygotes.

Submissions (2):

CeGaT Center for Human Genetics Tuebingen
Classification: Likely benign. Last evaluated: 2022-09-01. Review status: criteria provided, single submitter. Criteria: CeGaT Center For Human Genetics Tuebingen Variant Classification Criteria Version 2. Collection method: clinical testing. Allele origin: germline. Affected: yes. Observed: 1 variant allele.
Comment: XIRP1: BP4, BP7

PreventionGenetics, part of Exact Sciences
Classification: Likely benign for XIRP1-related condition. Last evaluated: 2019-02-22. Review status: no assertion criteria provided. Collection method: clinical testing. Allele origin: germline. Not counted in ClinVar's aggregate classification.
Comment: This variant is classified as likely benign based on ACMG/AMP sequence variant interpretation guidelines (Richards et al. 2015 PMID: 25741868, with internal and published modifications).